The following is an entry in ClinVar:

NM_001005498.4(RHBDF2):c.820C>A (p.Pro274Thr)

Gene: RHBDF2 (rhomboid 5 homolog 2; minus strand). Cytogenetic location: 17q25.1.
Variant type: single nucleotide variant.
Coding change: c.820C>A on transcript NM_001005498.4 (MANE Select); coding-DNA position 820, C replaced by A.
Protein change: p.Pro274Thr; replaces proline 274 with threonine.
Molecular consequence: missense variant. On other transcripts: non-coding transcript variant (3).
Genome position (GRCh38, 1-based): chr17:76,477,280, G>T on the plus strand (C>A on the coding strand, the complement: RHBDF2 is on the minus strand). VCF-style: chr17-76477280-G-T. GRCh37 (hg19) VCF-style: chr17-74473362-G-T.
Other names: c.820C>A, p.Pro274Thr (NM_001376228.1, NM_001376229.1, NM_001376230.1); c.907C>A, p.Pro303Thr (NM_024599.5); short protein forms P274T, P303T.
Identifiers: ClinVar variation 2678372 (VCV002678372.5), dbSNP rs201135513, ClinGen allele CA8787207.

ClinVar aggregate classification (germline): Uncertain significance. Review status: criteria provided, multiple submitters, no conflicts (2 of 4 stars). 3 submissions from 3 submitters: Uncertain significance (3). Last evaluated 2024-12-20.

Conditions:
Palmoplantar keratoderma-esophageal carcinoma syndrome (TOC). Also called: Tylosis with Esophageal Cancer; PALMOPLANTAR KERATODERMA WITH ESOPHAGEAL CANCER; KERATOSIS PALMARIS ET PLANTARIS WITH ESOPHAGEAL CANCER. Identifiers: Orphanet 2198, MedGen C1835664, MONDO:0007856, OMIM 148500.
Inborn genetic diseases. Identifiers: MedGen C0950123, MeSH D030342.

Allele frequency attached by ClinVar (database versions not stated): ExAC 0.00002; gnomAD 0.00005; TOPMed 0.00006; ESP Exome Variant Server 0.00008.
gnomAD v4.1: 102 of 1,611,772 alleles (0.0063%); highest among the groups gnomAD compares: Non-Finnish European, 0.0085%; no homozygotes.

Submissions (3):

Ambry Genetics
Classification: Uncertain significance for Inborn genetic diseases. Last evaluated: 2024-12-20. Review status: criteria provided, single submitter. Criteria: Ambry Variant Classification Scheme 2023. Collection method: clinical testing. Allele origin: germline.

Baylor Genetics
Classification: Uncertain significance for Palmoplantar keratoderma-esophageal carcinoma syndrome. Last evaluated: 2023-06-23. Review status: criteria provided, single submitter. Criteria: ACMG Guidelines, 2015. Collection method: clinical testing. Allele origin: unknown.

Labcorp Genetics (formerly Invitae), Labcorp
Classification: Uncertain significance. Last evaluated: 2022-11-04. Review status: criteria provided, single submitter. Criteria: Invitae Variant Classification Sherloc (09022015). Collection method: clinical testing. Allele origin: germline.
Comment: In summary, the available evidence is currently insufficient to determine the role of this variant in disease. Therefore, it has been classified as a Variant of Uncertain Significance. This sequence change replaces proline, which is neutral and non-polar, with threonine, which is neutral and polar, at codon 303 of the RHBDF2 protein (p.Pro303Thr). This variant is present in population databases (rs201135513, gnomAD 0.005%). This variant has not been reported in the literature in individuals affected with RHBDF2-related conditions. Algorithms developed to predict the effect of missense changes on protein structure and function are either unavailable or do not agree on the potential impact of this missense change (SIFT: "Tolerated"; PolyPhen-2: "Possibly Damaging"; Align-GVGD: "Class C0").